The following is an entry in ClinVar:

ClinVar aggregate classification (germline): Likely pathogenic (1 of 4 stars; one submission).

Conditions:
Brugada syndrome 3 (BRGDA3). Identifiers: Orphanet 130, MedGen C2678478, MONDO:0012742, OMIM 611875.
Long QT syndrome 8. Identifiers: MedGen CN260585, MONDO:0032756, OMIM 618447.
Timothy syndrome (TS). Also called: LONG QT SYNDROME WITH SYNDACTYLY. Identifiers: Orphanet 65283, MedGen C1832916, MeSH C536962, MONDO:0010979, OMIM 601005.

Submission:

Juno Genomics, Hangzhou Juno Genomics, Inc
Classification: Likely pathogenic for Brugada syndrome 3; Long QT syndrome 8; Timothy syndrome. Review status: criteria provided, single submitter. Criteria: ACMG Guidelines, 2015. Collection method: clinical testing. Allele origin: germline. Affected: yes.
Comment: Absent from controls (or at extremely low frequency if recessive) in Genome Aggregation Database, Exome Sequencing Project, 1000 Genomes Project, or Exome Aggregation Consortium.;Missense variant in a gene that has a low rate of benign missense variation and where missense variants are a common mechanism of disease.;Multiple lines of computational evidence support a deleterious effect on the gene or gene product (conservation, evolutionary, splicing impact, etc).;Patient's phenotype or family history is highly specific for a disease with a single genetic etiology.;Assumed de novo, but without confirmation of paternity and maternity.

NM_000719.7(CACNA1C):c.3487G>A (p.Gly1163Ser)

Gene: CACNA1C (calcium voltage-gated channel subunit alpha1 C; plus strand). Cytogenetic location: 12p13.33.
Variant type: single nucleotide variant.
Coding change: c.3487G>A on transcript NM_000719.7 (MANE Select); coding-DNA position 3487, G replaced by A.
Protein change: p.Gly1163Ser; replaces glycine 1163 with serine.
Molecular consequence: missense variant.
Genome position (GRCh38, 1-based): chr12:2,608,641, G>A. VCF-style: chr12-2608641-G-A. GRCh37 (hg19) VCF-style: chr12-2717807-G-A.
Other names: c.3487G>A, p.Gly1163Ser (NM_001129839.2, NM_001129840.2, NM_001129841.2 and 15 more transcripts); c.3478G>A, p.Gly1160Ser (NM_001129844.2); c.3547G>A, p.Gly1183Ser (NM_199460.4, NM_001129832.2, NM_001129827.2); short protein forms G1160S, G1163S, G1183S.
Identifiers: ClinVar variation 3382973 (VCV003382973.2).